The following is an entry in ClinVar:

ClinVar aggregate classification (germline): Likely benign (0 of 4 stars; one submission).

Conditions:
PDLIM3-related disorder. Also called: PDLIM3-related condition.

Allele frequency attached by ClinVar (database versions not stated): gnomAD exomes 0.00001.

Submission:

PreventionGenetics, part of Exact Sciences
Classification: Likely benign for PDLIM3-related condition. Last evaluated: 2020-01-20. Review status: no assertion criteria provided. Collection method: clinical testing. Allele origin: germline.
Comment: This variant is classified as likely benign based on ACMG/AMP sequence variant interpretation guidelines (Richards et al. 2015 PMID: 25741868, with internal and published modifications).

NM_014476.6(PDLIM3):c.331-497T>A

Genes: PDLIM3 (PDZ and LIM domain 3; minus strand), LOC126807246 (BRD4-independent group 4 enhancer GRCh37_chr4:186434842-186436041; plus strand). Cytogenetic location: 4q35.1.
Variant type: single nucleotide variant.
Coding change: c.331-497T>A on transcript NM_014476.6 (MANE Select); 497 bases into the intron before coding-DNA position 331, T replaced by A.
Molecular consequence: intron variant. On other transcripts: synonymous variant (1).
Genome position (GRCh38, 1-based): chr4:185,514,834, A>T on the plus strand (T>A on the coding strand, the complement: PDLIM3 is on the minus strand). VCF-style: chr4-185514834-A-T. GRCh37 (hg19) VCF-style: chr4-186435988-A-T.
Other names: c.387T>A, p.Ala129= (NM_001114107.5); c.94-497T>A (NM_001257963.2); c.331-497T>A (NM_001257962.2).
Identifiers: ClinVar variation 3052200 (VCV003052200.2), dbSNP rs2095712417, ClinGen allele CA1071936468.